The following is an entry in ClinVar:

NM_001875.5(CPS1):c.616A>G (p.Thr206Ala)

Gene: CPS1 (carbamoyl-phosphate synthase 1; plus strand). Cytogenetic location: 2q34.
Variant type: single nucleotide variant.
Coding change: c.616A>G on transcript NM_001875.5 (MANE Select); coding-DNA position 616, A replaced by G.
Protein change: p.Thr206Ala; replaces threonine 206 with alanine.
Molecular consequence: missense variant. On other transcripts: non-coding transcript variant (1).
Genome position (GRCh38, 1-based): chr2:210,582,704, A>G. VCF-style: chr2-210582704-A-G. GRCh37 (hg19) VCF-style: chr2-211447428-A-G.
Other names: c.616A>G, p.Thr206Ala (NM_001122633.3, NM_001369257.1); c.649A>G, p.Thr217Ala (NM_001369256.1); short protein forms T217A, T206A.
Identifiers: ClinVar variation 4746529 (VCV004746529.1).

ClinVar aggregate classification (germline): Uncertain significance (1 of 4 stars; one submission).

Conditions:
Congenital hyperammonemia, type I. Also called: Carbamoyl phosphate synthetase 1 deficiency; Hyperammonemia due to carbamoyl phosphate synthetase 1 deficiency; CPS 1 deficiency; Carbamyl phosphate synthetase (CPS) deficiency; Carbamoyl phosphate synthetase I deficiency disease; CPS I DEFICIENCY. Identifiers: Orphanet 147, MedGen C4082171, MONDO:0009376, OMIM 237300.

gnomAD v4.1: 6 of 1,610,262 alleles (0.00037%); highest among the groups gnomAD compares: Middle Eastern, 0.017%; no homozygotes.

Submission:

Labcorp Genetics (formerly Invitae), Labcorp
Classification: Uncertain significance for Congenital hyperammonemia, type I. Last evaluated: 2025-11-23. Review status: criteria provided, single submitter. Criteria: Invitae Variant Classification Sherloc (09022015). Collection method: clinical testing. Allele origin: germline.
Comment: This sequence change replaces threonine, which is neutral and polar, with alanine, which is neutral and non-polar, at codon 206 of the CPS1 protein (p.Thr206Ala). This variant is present in population databases (rs762605091, gnomAD 0.003%). This variant has not been reported in the literature in individuals affected with CPS1-related conditions. Invitae Evidence Modeling of protein sequence and biophysical properties (such as structural, functional, and spatial information, amino acid conservation, physicochemical variation, residue mobility, and thermodynamic stability) indicates that this missense variant is not expected to disrupt CPS1 protein function with a negative predictive value of 95%. In summary, the available evidence is currently insufficient to determine the role of this variant in disease. Therefore, it has been classified as a Variant of Uncertain Significance.